The following is an entry in ClinVar:

NM_001377.3(DYNC2H1):c.1962del (p.Ala655fs)

Gene: DYNC2H1 (dynein cytoplasmic 2 heavy chain 1; plus strand). Cytogenetic location: 11q22.3.
Variant type: Deletion.
Coding change: c.1962del on transcript NM_001377.3 (MANE Select); coding-DNA position 1962, one base deleted (A; older notation c.1962delA).
Protein change: p.Ala655fs; shifts the reading frame from alanine 655.
Molecular consequence: frameshift variant.
Genome position (GRCh38, 1-based): chr11:103,133,563, A deleted; the last of 4 consecutive A bases (chr11:103,133,560-103,133,563); deleting any one gives the same sequence. VCF-style (leftmost placement, unchanged base first): chr11-103133559-CA-C. GRCh37 (hg19) VCF-style: chr11-103004288-CA-C.
Other names: c.1962del, p.Ala655fs (NM_001080463.2); short protein forms A655fs.
Identifiers: ClinVar variation 5014750 (VCV005014750.1).

ClinVar aggregate classification (germline): Pathogenic (1 of 4 stars; one submission).

Conditions:
Asphyxiating thoracic dystrophy 3. Also called: SHORT-RIB THORACIC DYSPLASIA 3 WITH OR WITHOUT POLYDACTYLY; POLYDACTYLY WITH NEONATAL CHONDRODYSTROPHY, TYPE I; SHORT-RIB THORACIC DYSPLASIA 3/6 WITH POLYDACTYLY, DIGENIC; Short rib polydactyly syndrome 2B; Saldino-Noonan Syndrome. Identifiers: Orphanet 474, Orphanet 93269, Orphanet 93270, Orphanet 93271, MedGen C0036069, MONDO:0013127, OMIM 613091.

Submission:

Myriad Genetics, Inc.
Classification: Pathogenic for Asphyxiating thoracic dystrophy 3. Last evaluated: 2025-07-20. Review status: criteria provided, single submitter. Criteria: Myriad Autosomal Dominant, Autosomal Recessive and X-Linked Classification Criteria (2023). Collection method: clinical testing. Allele origin: unknown.
Comment: NM_001377.2(DYNC2H1):c.1962delA(A655Qfs*9) is expected to be pathogenic in the context of DYNC2H1-related disorders. This variant is predicted to lead to an abnormal or absent protein product due to the creation of a premature termination codon in DYNC2H1, a gene where loss-of-function variants are known to be pathogenic. Please note: this variant was assessed in the context of healthy population screening.